The following is an entry in ClinVar:

NM_001128840.3(CACNA1D):c.5726G>A (p.Arg1909His)

Gene: CACNA1D (calcium voltage-gated channel subunit alpha1 D; plus strand). Cytogenetic location: 3p21.1.
Variant type: single nucleotide variant.
Coding change: c.5726G>A on transcript NM_001128840.3 (MANE Select); coding-DNA position 5726, G replaced by A.
Protein change: p.Arg1909His; replaces arginine 1909 with histidine.
Molecular consequence: missense variant.
Genome position (GRCh38, 1-based): chr3:53,805,123, G>A. VCF-style: chr3-53805123-G-A. GRCh37 (hg19) VCF-style: chr3-53839150-G-A.
Other names: c.5786G>A, p.Arg1929His (NM_000720.4); c.5654G>A, p.Arg1885His (NM_001128839.3); short protein forms R1885H, R1929H, R1909H.
Identifiers: ClinVar variation 2787419 (VCV002787419.3), dbSNP rs1419721516, ClinGen allele CA353254781.

ClinVar aggregate classification (germline): Uncertain significance (1 of 4 stars; one submission).

Allele frequency attached by ClinVar (database versions not stated): gnomAD exomes below 0.00001; TOPMed below 0.00001.
gnomAD v4.1: 3 of 1,613,918 alleles (0.00019%); highest among the groups gnomAD compares: African/African-American, 0.0013%; no homozygotes.

Submission:

Labcorp Genetics (formerly Invitae), Labcorp
Classification: Uncertain significance. Last evaluated: 2025-01-28. Review status: criteria provided, single submitter. Criteria: Invitae Variant Classification Sherloc (09022015). Collection method: clinical testing. Allele origin: germline.
Comment: This sequence change replaces arginine, which is basic and polar, with histidine, which is basic and polar, at codon 1929 of the CACNA1D protein (p.Arg1929His). This variant is present in population databases (no rsID available, gnomAD 0.006%). This variant has not been reported in the literature in individuals affected with CACNA1D-related conditions. ClinVar contains an entry for this variant (Variation ID: 2787419). An algorithm developed to predict the effect of missense changes on protein structure and function (PolyPhen-2) suggests that this variant is likely to be disruptive. In summary, the available evidence is currently insufficient to determine the role of this variant in disease. Therefore, it has been classified as a Variant of Uncertain Significance.